The following is an entry in ClinVar:

NM_001267727.2(ARSG):c.786G>A (p.Ala262=)

Gene: ARSG (arylsulfatase G; plus strand). Cytogenetic location: 17q24.2.
Variant type: single nucleotide variant.
Coding change: c.786G>A on transcript NM_001267727.2 (MANE Select); coding-DNA position 786, G replaced by A.
Protein change: p.Ala262=; no amino-acid change (alanine 262 retained).
Molecular consequence: synonymous variant.
Genome position (GRCh38, 1-based): chr17:68,368,629, G>A. VCF-style: chr17-68368629-G-A. GRCh37 (hg19) VCF-style: chr17-66364770-G-A.
Other names: p.Ala262=; c.786G>A, p.Ala262= (NM_001352899.2, NM_001352900.2, NM_001352901.2 and 3 more transcripts); c.783G>A, p.Ala261= (NM_001352903.2, NM_001352904.2, NM_001352905.2 and 2 more transcripts); c.738G>A, p.Ala246= (NM_001352909.2).
Identifiers: ClinVar variation 787600 (VCV000787600.39), dbSNP rs146307895, ClinGen allele CA8728361.

ClinVar aggregate classification (germline): Benign. Review status: criteria provided, multiple submitters, no conflicts (2 of 4 stars). 5 submissions from 5 submitters: Benign (4). 1 of the submissions does not count toward it. Last evaluated 2026-06-01.

Conditions:
ARSG-related disorder. Also called: ARSG-related condition.

Allele frequency attached by ClinVar (database versions not stated): 1000 Genomes Project 30x 0.00297; 1000 Genomes Project 0.00300; TOPMed 0.00652; ExAC 0.00696; ESP Exome Variant Server 0.00723; gnomAD exomes 0.00725 and 0.01048; gnomAD 0.00743 and 0.00751.
gnomAD v4.1: 16,377 of 1,614,204 alleles (1%); highest among the groups gnomAD compares: Non-Finnish European, 1.2%; 97 homozygotes.

Submissions (5):

CeGaT Center for Human Genetics Tuebingen
Classification: Benign. Last evaluated: 2026-06-01. Review status: criteria provided, single submitter. Criteria: CeGaT Center For Human Genetics Tuebingen Variant Classification Criteria Version 2. Collection method: clinical testing. Allele origin: germline. Affected: yes. Observed: 13 variant alleles.
Comment: ARSG: BP4, BP7, BS1, BS2

Labcorp Genetics (formerly Invitae), Labcorp
Classification: Benign. Last evaluated: 2026-02-01. Review status: criteria provided, single submitter. Criteria: Invitae Variant Classification Sherloc (09022015). Collection method: clinical testing. Allele origin: germline.

Mayo Clinic Laboratories, Mayo Clinic
Classification: Benign. Last evaluated: 2025-02-05. Review status: criteria provided, single submitter. Criteria: ACMG Guidelines, 2015. Collection method: clinical testing. Allele origin: germline. Observed: 1 variant allele.
Comment: BA1, BS2

Breakthrough Genomics
Classification: Benign. Review status: criteria provided, single submitter. Criteria: ACMG Guidelines, 2015. Collection method: not provided. Allele origin: germline. Inheritance: Autosomal recessive inheritance. Affected: yes.

PreventionGenetics, part of Exact Sciences
Classification: Benign for ARSG-related condition. Last evaluated: 2019-09-26. Review status: no assertion criteria provided. Collection method: clinical testing. Allele origin: germline. Not counted in ClinVar's aggregate classification.
Comment: This variant is classified as benign based on ACMG/AMP sequence variant interpretation guidelines (Richards et al. 2015 PMID: 25741868, with internal and published modifications).